The following is an entry in ClinVar:

NM_006514.4(SCN10A):c.2358_2359del (p.Leu787fs)

Gene: SCN10A (sodium voltage-gated channel alpha subunit 10; minus strand). Cytogenetic location: 3p22.2.
Variant type: Deletion.
Coding change: c.2358_2359del on transcript NM_006514.4 (MANE Select); coding-DNA positions 2358 to 2359, 2 bases deleted (AC; older notation c.2358_2359delAC).
Protein change: p.Leu787fs; shifts the reading frame from leucine 787.
Molecular consequence: frameshift variant.
Genome position (GRCh38, 1-based): chr3:38,728,823-38,728,824, GT deleted on the plus strand (AC on the coding strand, the reverse complement: SCN10A is on the minus strand); deleting any 2 consecutive bases within chr3:38,728,823-38,728,825 gives the same sequence; the c. name uses the placement nearest the transcript's 3' end. VCF-style (leftmost placement, unchanged base first): chr3-38728822-AGT-A. GRCh37 (hg19) VCF-style: chr3-38770313-AGT-A.
Other names: c.2358_2359del, p.Leu787fs (NM_001293306.2); c.2064_2065del, p.Leu689fs (NM_001293307.2); short protein forms L787fs, L689fs.
Identifiers: ClinVar variation 3793146 (VCV003793146.1).

ClinVar aggregate classification (germline): Uncertain significance (1 of 4 stars; one submission).

Conditions:
Cardiovascular phenotype. Identifiers: MedGen CN230736.

Submission:

Ambry Genetics
Classification: Uncertain significance for Cardiovascular phenotype. Last evaluated: 2025-02-07. Review status: criteria provided, single submitter. Criteria: Ambry Variant Classification Scheme 2023. Collection method: clinical testing. Allele origin: germline.
Comment: The c.2358_2359delAC variant, located in coding exon 15 of the SCN10A gene, results from a deletion of two nucleotides at nucleotide positions 2358 to 2359, causing a translational frameshift with a predicted alternate stop codon (p.L787Gfs*28). This alteration is expected to result in protein truncation or nonsense-mediated mRNA decay. However, loss of function of SCN10A has not been established as a mechanism of disease. The evidence for this gene-disease relationship is limited; therefore, the clinical significance of this alteration is unclear.